The following is an entry in ClinVar:

ClinVar aggregate classification (germline): Conflicting classifications of pathogenicity. Review status: criteria provided, conflicting classifications (1 of 4 stars). 3 submissions from 3 submitters: Uncertain significance (1); Likely benign (2). Last evaluated 2025-10-23.

Conditions:
Hereditary cancer-predisposing syndrome. Also called: Tumor predisposition; Hereditary Cancer Syndrome; Hereditary neoplastic syndrome; Neoplastic Syndromes, Hereditary. Identifiers: Orphanet 140162, MedGen C0027672, MeSH D009386, MONDO:0015356.
Neurofibromatosis, type 2 (SWNV). Also called: SCHWANNOMATOSIS, VESTIBULAR; NF2-Related Schwannomatosis; BILATERAL ACOUSTIC NEUROFIBROMATOSIS. Identifiers: Orphanet 637, MedGen C0027832, MONDO:0007039, OMIM 101000. Disease mechanism: loss of function.

Allele frequency attached by ClinVar (database versions not stated): ExAC 0.00001; gnomAD 0.00001; ESP Exome Variant Server 0.00008; gnomAD exomes 0.00001; TOPMed 0.00003.
gnomAD v4.1: 28 of 1,613,772 alleles (0.0017%); highest among the groups gnomAD compares: Non-Finnish European, 0.0022%; no homozygotes.

Submissions (3):

Labcorp Genetics (formerly Invitae), Labcorp
Classification: Likely benign for Neurofibromatosis, type 2. Last evaluated: 2025-10-23. Review status: criteria provided, single submitter. Criteria: Invitae Variant Classification Sherloc (09022015). Collection method: clinical testing. Allele origin: germline.

All of Us Research Program, National Institutes of Health
Classification: Uncertain significance for Neurofibromatosis, type 2. Last evaluated: 2023-05-16. Review status: criteria provided, single submitter. Criteria: ACMG Guidelines, 2015. Collection method: clinical testing. Allele origin: germline. Inheritance: Autosomal dominant inheritance. Observed: 2 variant alleles, 2 heterozygotes.
Comment: This missense variant replaces arginine with tryptophan at codon 160 of the NF2 protein. Computational prediction suggests that this variant may not impact protein structure and function (internally defined REVEL score threshold <= 0.5, PMID: 27666373). To our knowledge, functional studies have not been reported for this variant. This variant has not been reported in individuals affected with NF2-related disorders in the literature. This variant has been identified in 3/282752 chromosomes in the general population by the Genome Aggregation Database (gnomAD). The available evidence is insufficient to determine the role of this variant in disease conclusively. Therefore, this variant is classified as a Variant of Uncertain Significance.

This study involves interpretation of variants in research participants for the purpose of population health screening. Participant phenotype was not available at the time of variant classification. Additional details can be found in publication PMID: 35346344, PMCID: PMC8962531

Ambry Genetics
Classification: Likely benign for Hereditary cancer-predisposing syndrome. Last evaluated: 2022-06-02. Review status: criteria provided, single submitter. Criteria: Ambry Variant Classification Scheme 2023. Collection method: clinical testing. Allele origin: germline.

NM_000268.4(NF2):c.478C>T (p.Arg160Trp)

Gene: NF2 (NF2, moesin-ezrin-radixin like (MERLIN) tumor suppressor; plus strand). Cytogenetic location: 22q12.2.
Variant type: single nucleotide variant.
Coding change: c.478C>T on transcript NM_000268.4 (MANE Select); coding-DNA position 478, C replaced by T.
Protein change: p.Arg160Trp; replaces arginine 160 with tryptophan.
Molecular consequence: missense variant. On other transcripts: non-coding transcript variant (1), intron variant (1).
Genome position (GRCh38, 1-based): chr22:29,654,687, C>T. VCF-style: chr22-29654687-C-T. GRCh37 (hg19) VCF-style: chr22-30050676-C-T.
Other names: c.478C>T, p.Arg160Trp (NM_016418.5, NM_181825.3, NM_181832.3); c.352C>T, p.Arg118Trp (NM_181828.3); c.355C>T, p.Arg119Trp (NM_181829.3); c.229C>T, p.Arg77Trp (NM_181830.3, NM_181831.3); c.447+12402C>T (NM_181833.3); short protein forms R160W, R77W, R119W, R118W.
Identifiers: ClinVar variation 412204 (VCV000412204.12), dbSNP rs150667239, ClinGen allele CA033584.